The following is an entry in ClinVar:

ClinVar aggregate classification (germline): Uncertain significance (1 of 4 stars; one submission).

Conditions:
Hereditary cancer-predisposing syndrome. Also called: Neoplastic Syndromes, Hereditary; Tumor predisposition; Hereditary neoplastic syndrome; Hereditary Cancer Syndrome. Identifiers: Orphanet 140162, MedGen C0027672, MeSH D009386, MONDO:0015356.

Submission:

Ambry Genetics
Classification: Uncertain significance for Hereditary cancer-predisposing syndrome. Last evaluated: 2026-07-06. Review status: criteria provided, single submitter. Criteria: Ambry Variant Classification Scheme 2023. Collection method: clinical testing. Allele origin: germline.
Comment: The p.Y173C variant (also known as c.518A>G), located in coding exon 5 of the RB1 gene, results from an A to G substitution at nucleotide position 518. The tyrosine at codon 173 is replaced by cysteine, an amino acid with highly dissimilar properties. This amino acid position is conserved. In addition, this alteration is predicted to be deleterious by in silico analysis. Based on the available evidence, the clinical significance of this variant remains unclear.

NM_000321.3(RB1):c.518A>G (p.Tyr173Cys)

Gene: RB1 (RB transcriptional corepressor 1; plus strand). Cytogenetic location: 13q14.2.
Variant type: single nucleotide variant.
Coding change: c.518A>G on transcript NM_000321.3 (MANE Select); coding-DNA position 518, A replaced by G.
Protein change: p.Tyr173Cys; replaces tyrosine 173 with cysteine.
Molecular consequence: missense variant.
Genome position (GRCh38, 1-based): chr13:48,347,842, A>G. VCF-style: chr13-48347842-A-G. GRCh37 (hg19) VCF-style: chr13-48921978-A-G.
Other names: c.518A>G, p.Tyr173Cys (NM_001407165.1, NM_001407166.1); short protein forms Y173C.
Identifiers: ClinVar variation 5027938 (VCV005027938.1).